The following is an entry in ClinVar:

ClinVar aggregate classification (germline): Benign. Review status: criteria provided, multiple submitters, no conflicts (2 of 4 stars). 2 submissions from 2 submitters: Benign (2). Last evaluated 2018-01-13.

Conditions:
Autosomal recessive congenital ichthyosis 3 (ARCI3). Also called: ICHTHYOSIS, LAMELLAR, 5. Identifiers: MedGen C3539888, MONDO:0011680, OMIM 606545.

Allele frequency attached by ClinVar (database versions not stated): gnomAD 0.00623 and 0.00658; 1000 Genomes Project 0.00659; TOPMed 0.00721; 1000 Genomes Project 30x 0.00812; ESP Exome Variant Server 0.00846; gnomAD exomes 0.00167 and 0.00071; ExAC 0.00221.
gnomAD v4.1: 1,646 of 1,074,220 alleles (0.15%); highest among the groups gnomAD compares: African/African-American, 2.3%; 24 homozygotes.

Submissions (2):

Illumina Laboratory Services, Illumina
Classification: Benign for Autosomal recessive congenital ichthyosis 3. Last evaluated: 2018-01-13. Review status: criteria provided, single submitter. Criteria: ICSL Variant Classification Criteria 13 December 2019. Collection method: clinical testing. Allele origin: germline.
Comment: This variant was observed in the ICSL laboratory as part of a predisposition screen in an ostensibly healthy population. It had not been previously curated by ICSL or reported in the Human Gene Mutation Database (HGMD: prior to June 1st, 2018), and was therefore a candidate for classification through an automated scoring system. Utilizing variant allele frequency, disease prevalence and penetrance estimates, and inheritance mode, an automated score was calculated to assess if this variant is too frequent to cause the disease. Based on the score and internal cut-off values, a variant classified as benign is not then subjected to further curation. The score for this variant resulted in a classification of benign for this disease.

Breakthrough Genomics
Classification: Benign. Review status: criteria provided, single submitter. Criteria: ACMG Guidelines, 2015. Collection method: not provided. Allele origin: germline. Inheritance: Autosomal recessive inheritance. Affected: yes.

NM_021628.3(ALOXE3):c.*24A>G

Gene: ALOXE3 (arachidonate epidermal lipoxygenase 3; minus strand). Cytogenetic location: 17p13.1.
Variant type: single nucleotide variant.
Coding change: c.*24A>G on transcript NM_021628.3 (MANE Select); 24 bases downstream of the stop codon, A replaced by G.
Molecular consequence: 3 prime UTR variant.
Genome position (GRCh38, 1-based): chr17:8,096,603, T>C on the plus strand (A>G on the coding strand, the complement: ALOXE3 is on the minus strand). VCF-style: chr17-8096603-T-C. GRCh37 (hg19) VCF-style: chr17-7999921-T-C.
Other names: c.*24A>G (NM_001165960.1, NM_001369446.1).
Identifiers: ClinVar variation 325954 (VCV000325954.6), dbSNP rs111342695, ClinGen allele CA8367845.